The following is an entry in ClinVar:

ClinVar aggregate classification (germline): Uncertain significance. Review status: criteria provided, multiple submitters, no conflicts (2 of 4 stars). 2 submissions from 2 submitters: Uncertain significance (2). Last evaluated 2023-12-01.

Conditions:
Malignant hyperthermia, susceptibility to, 1 (MHS1). Also called: Anesthesia related hyperthermia; Malignant hyperpyrexia; Fulminating hyperpyrexia; Pharmacogenic myopathy; RYR1-Related Malignant Hyperthermia Susceptibility; Malignant hyperthermia suceptibility 1. Identifiers: Orphanet 423, MedGen C2930980, MONDO:0007783, OMIM 145600.
RYR1-related disorder. Also called: RYR1-related disorders; RYR1-related condition. Identifiers: MedGen CN239331.

Allele frequency attached by ClinVar (database versions not stated): gnomAD exomes below 0.00001; TOPMed 0.00002; gnomAD 0.00003.
gnomAD v4.1: 6 of 1,614,060 alleles (0.00037%); highest among the groups gnomAD compares: African/African-American, 0.008%; no homozygotes.

Submissions (2):

All of Us Research Program, National Institutes of Health
Classification: Uncertain significance for Malignant hyperthermia, susceptibility to, 1. Last evaluated: 2023-12-01. Review status: criteria provided, single submitter. Criteria: ACMG Guidelines, 2015. Collection method: clinical testing. Allele origin: germline. Inheritance: Autosomal dominant inheritance. Observed: 1 variant allele, 1 heterozygote.
Comment: This study involves interpretation of variants in research participants for the purpose of population health screening. Participant phenotype was not available at the time of variant classification. Additional details can be found in publication PMID: 35346344, PMCID: PMC8962531

Labcorp Genetics (formerly Invitae), Labcorp
Classification: Uncertain significance for RYR1-related disorder. Last evaluated: 2023-02-08. Review status: criteria provided, single submitter. Criteria: Invitae Variant Classification Sherloc (09022015). Collection method: clinical testing. Allele origin: germline.
Comment: In summary, the available evidence is currently insufficient to determine the role of this variant in disease. Therefore, it has been classified as a Variant of Uncertain Significance. Advanced modeling of protein sequence and biophysical properties (such as structural, functional, and spatial information, amino acid conservation, physicochemical variation, residue mobility, and thermodynamic stability) performed at Invitae indicates that this missense variant is not expected to disrupt RYR1 protein function. This variant has not been reported in the literature in individuals affected with RYR1-related conditions. This variant is not present in population databases (gnomAD no frequency). This sequence change replaces valine, which is neutral and non-polar, with phenylalanine, which is neutral and non-polar, at codon 1514 of the RYR1 protein (p.Val1514Phe).

NM_000540.3(RYR1):c.4540G>T (p.Val1514Phe)

Gene: RYR1 (ryanodine receptor 1; plus strand). Cytogenetic location: 19q13.2.
Variant type: single nucleotide variant.
Coding change: c.4540G>T on transcript NM_000540.3 (MANE Select); coding-DNA position 4540, G replaced by T.
Protein change: p.Val1514Phe; replaces valine 1514 with phenylalanine.
Molecular consequence: missense variant.
Genome position (GRCh38, 1-based): chr19:38,478,520, G>T. VCF-style: chr19-38478520-G-T. GRCh37 (hg19) VCF-style: chr19-38969160-G-T.
Other names: c.4540G>T, p.Val1514Phe (NM_001042723.2); short protein forms V1514F.
Identifiers: ClinVar variation 2890489 (VCV002890489.4), dbSNP rs1367463195, ClinGen allele CA405647531.